The following is an entry in ClinVar:

ClinVar aggregate classification (germline): Uncertain significance (1 of 4 stars; one submission).

Conditions:
Charcot-Marie-Tooth disease type 2. Also called: Charcot-Marie-Tooth type 2. Identifiers: Orphanet 64746, MedGen C0270914, MONDO:0018993.

Allele frequency attached by ClinVar (database versions not stated): ExAC 0.00001; gnomAD exomes 0.00001.
gnomAD v4.1: 11 of 1,613,488 alleles (0.00068%); highest among the groups gnomAD compares: East Asian, 0.0022%; no homozygotes.

Submission:

Labcorp Genetics (formerly Invitae), Labcorp
Classification: Uncertain significance for Charcot-Marie-Tooth disease type 2. Last evaluated: 2019-12-05. Review status: criteria provided, single submitter. Criteria: Invitae Variant Classification Sherloc (09022015). Collection method: clinical testing. Allele origin: germline.
Comment: In summary, the available evidence is currently insufficient to determine the role of this variant in disease. Therefore, it has been classified as a Variant of Uncertain Significance. Algorithms developed to predict the effect of missense changes on protein structure and function output the following: SIFT: "Tolerated"; PolyPhen-2: "Benign"; Align-GVGD: "Class C0". The alanine amino acid residue is found in multiple mammalian species, suggesting that this missense change does not adversely affect protein function. These predictions have not been confirmed by published functional studies and their clinical significance is uncertain. This variant has not been reported in the literature in individuals with BSCL2-related conditions. This variant is present in population databases (rs776379711, ExAC 0.002%). This sequence change replaces threonine with alanine at codon 302 of the BSCL2 protein (p.Thr302Ala). The threonine residue is moderately conserved and there is a small physicochemical difference between threonine and alanine.

NM_001122955.4(BSCL2):c.1096A>G (p.Thr366Ala)

Genes: HNRNPUL2-BSCL2 (HNRNPUL2-BSCL2 readthrough (NMD candidate); minus strand), BSCL2 (BSCL2 lipid droplet biogenesis associated, seipin; minus strand). Cytogenetic location: 11q12.3.
Variant type: single nucleotide variant.
Coding change: c.1096A>G on transcript NM_001122955.4 (MANE Select); coding-DNA position 1096, A replaced by G.
Protein change: p.Thr366Ala; replaces threonine 366 with alanine.
Molecular consequence: missense variant. On other transcripts: non-coding transcript variant (1), synonymous variant (1).
Genome position (GRCh38, 1-based): chr11:62,690,844, T>C on the plus strand (A>G on the coding strand, the complement: BSCL2 is on the minus strand). VCF-style: chr11-62690844-T-C. GRCh37 (hg19) VCF-style: chr11-62458316-T-C.
Other names: c.762A>G, p.Gln254= (NM_001130702.2); c.1102A>G, p.Thr368Ala (NM_001386027.1); c.1096A>G, p.Thr366Ala (NM_001386028.1); c.904A>G, p.Thr302Ala (NM_032667.6); short protein forms T366A, T302A, T368A.
Identifiers: ClinVar variation 845115 (VCV000845115.9), dbSNP rs776379711, ClinGen allele CA6053328.